The following is an entry in ClinVar:

ClinVar aggregate classification (germline): Pathogenic (1 of 4 stars; one submission).

Submission:

Labcorp Genetics (formerly Invitae), Labcorp
Classification: Pathogenic. Last evaluated: 2025-01-15. Review status: criteria provided, single submitter. Criteria: Invitae Variant Classification Sherloc (09022015). Collection method: clinical testing. Allele origin: germline.
Comment: This sequence change creates a premature translational stop signal (p.Ala1614Glyfs*12) in the EYS gene. It is expected to result in an absent or disrupted protein product. Loss-of-function variants in EYS are known to be pathogenic (PMID: 18836446, 20333770). This variant is not present in population databases (gnomAD no frequency). This variant has not been reported in the literature in individuals affected with EYS-related conditions. ClinVar contains an entry for this variant (Variation ID: 1369021). For these reasons, this variant has been classified as Pathogenic.

Literature cited by the submitters: PubMed 18836446; PubMed 20333770.

NM_001142800.2(EYS):c.4841_4863del (p.Ala1614fs)

Gene: EYS (EGF-like photoreceptor maintenance factor; minus strand). Cytogenetic location: 6q12.
Variant type: Deletion.
Coding change: c.4841_4863del on transcript NM_001142800.2 (MANE Select); coding-DNA positions 4841 to 4863, 23 bases deleted (CTACTGAAATAACACCATCAGTG).
Protein change: p.Ala1614fs; shifts the reading frame from alanine 1614.
Molecular consequence: frameshift variant.
Genome position (GRCh38, 1-based): chr6:64,591,004-64,591,026, CACTGATGGTGTTATTTCAGTAG deleted on the plus strand (CTACTGAAATAACACCATCAGTG on the coding strand, the reverse complement: EYS is on the minus strand); deleting any 23 consecutive bases within chr6:64,591,004-64,591,028 gives the same sequence; the c. name uses the placement nearest the transcript's 3' end. VCF-style (leftmost placement, unchanged base first): chr6-64591003-CCACTGATGGTGTTATTTCAGTAG-C. GRCh37 (hg19) VCF-style: chr6-65300896-CCACTGATGGTGTTATTTCAGTAG-C.
Other names: c.4841_4863del, p.Ala1614fs (NM_001292009.2); short protein forms A1614fs.
Identifiers: ClinVar variation 1369021 (VCV001369021.6), dbSNP rs2149831757, ClinGen allele CA2573141006.